The following is an entry in ClinVar:

ClinVar aggregate classification (germline): Uncertain significance. Review status: criteria provided, multiple submitters, no conflicts (2 of 4 stars). 3 submissions from 3 submitters: Uncertain significance (3). Last evaluated 2024-08-28.

Conditions:
Nephronophthisis. Also called: Juvenile Nephronophthisis. Identifiers: Orphanet 655, MedGen C0687120, MONDO:0019005, HP:0000090.
Nephronophthisis 7 (NPHP7). Identifiers: Orphanet 655, MedGen C1969092, MONDO:0012680, OMIM 611498.

Allele frequency attached by ClinVar (database versions not stated): TOPMed below 0.00001; gnomAD 0.00001; gnomAD exomes 0.00001; ExAC 0.00004; ESP Exome Variant Server 0.00008.

Submissions (3):

Ambry Genetics
Classification: Uncertain significance. Last evaluated: 2024-08-28. Review status: criteria provided, single submitter. Criteria: Ambry Variant Classification Scheme 2023. Collection method: clinical testing. Allele origin: germline.

Labcorp Genetics (formerly Invitae), Labcorp
Classification: Uncertain significance for Nephronophthisis. Last evaluated: 2022-07-05. Review status: criteria provided, single submitter. Criteria: Invitae Variant Classification Sherloc (09022015). Collection method: clinical testing. Allele origin: germline.
Comment: In summary, the available evidence is currently insufficient to determine the role of this variant in disease. Therefore, it has been classified as a Variant of Uncertain Significance. Algorithms developed to predict the effect of missense changes on protein structure and function are either unavailable or do not agree on the potential impact of this missense change (SIFT: "Deleterious"; PolyPhen-2: "Not Available"; Align-GVGD: "Class C0"). ClinVar contains an entry for this variant (Variation ID: 640688). This variant has not been reported in the literature in individuals affected with GLIS2-related conditions. The frequency data for this variant in the population databases is considered unreliable, as metrics indicate poor data quality at this position in the gnomAD database. This sequence change replaces threonine, which is neutral and polar, with methionine, which is neutral and non-polar, at codon 463 of the GLIS2 protein (p.Thr463Met).

Fulgent Genetics
Classification: Uncertain significance for Nephronophthisis 7. Last evaluated: 2021-09-22. Review status: criteria provided, single submitter. Criteria: ACMG Guidelines, 2015. Collection method: clinical testing. Allele origin: unknown.

NM_032575.3(GLIS2):c.1388C>T (p.Thr463Met)

Gene: GLIS2 (GLIS family zinc finger 2; plus strand). Cytogenetic location: 16p13.3.
Variant type: single nucleotide variant.
Coding change: c.1388C>T on transcript NM_032575.3 (MANE Select); coding-DNA position 1388, C replaced by T.
Protein change: p.Thr463Met; replaces threonine 463 with methionine.
Molecular consequence: missense variant.
Genome position (GRCh38, 1-based): chr16:4,337,337, C>T. VCF-style: chr16-4337337-C-T. GRCh37 (hg19) VCF-style: chr16-4387338-C-T.
Other names: c.1388C>T, p.Thr463Met (NM_001318918.2); short protein forms T463M.
Identifiers: ClinVar variation 640688 (VCV000640688.10), dbSNP rs373198635, ClinGen allele CA7873250.